The following is an entry in ClinVar:

ClinVar aggregate classification (germline): Benign/Likely benign. Review status: criteria provided, multiple submitters, no conflicts (2 of 4 stars). 7 submissions from 7 submitters: Benign (1); Likely benign (5). 1 of the submissions does not count toward it. Last evaluated 2026-03-30.
ClinVar aggregate classification (somatic clinical impact): Tier III - Unknown. Review status: no assertion criteria provided (0 of 4 stars). 9 submissions from 1 submitter.

Conditions:
Hereditary cancer-predisposing syndrome. Also called: Tumor predisposition; Neoplastic Syndromes, Hereditary; Hereditary neoplastic syndrome; Hereditary Cancer Syndrome. Identifiers: Orphanet 140162, MedGen C0027672, MeSH D009386, MONDO:0015356.
Hereditary breast ovarian cancer syndrome. Also called: Hereditary breast and ovarian cancer; BRCA1- and BRCA2-Associated Hereditary Breast and Ovarian Cancer; Hereditary breast and/or ovarian cancer syndrome; Hereditary breast and ovarian cancer syndrome; Breast and ovarian cancer; Hereditary breast and ovarian cancer syndrome (HBOC). Identifiers: Orphanet 145, MedGen C0677776, MeSH D061325, MONDO:0003582. Disease mechanism: loss of function.
Breast-ovarian cancer, familial, susceptibility to, 2 (BROVCA2). Also called: BRCA2 Hereditary Breast and Ovarian Cancer. Identifiers: Orphanet 145, MedGen C2675520, MONDO:0012933, OMIM 612555. Disease mechanism: loss of function.
Spindle cell sarcoma. Identifiers: MedGen C0205945, MeSH D012509, MONDO:0002927.
Adenoid cystic carcinoma. Also called: Adenocystic carcinoma. Identifiers: MedGen C0010606, MeSH D003528, MONDO:0004971.
Lung cancer. Also called: Malignant tumor of lung; Lung cancer, somatic. Identifiers: MedGen C0242379, MONDO:0008903, OMIM 211980.
Colorectal cancer. Also called: Colorectal cancer, somatic; Malignant Colorectal Neoplasm. Identifiers: MedGen C0346629, MONDO:0005575, OMIM 114500.
Familial pancreatic carcinoma. Identifiers: Orphanet 1333, MedGen C2931038, MONDO:0015278, OMIM 260350.
Cervical cancer. Also called: Cervical cancer, somatic; Cancer of cervix; Cervix cancer. Identifiers: MedGen C4048328, MONDO:0002974, OMIM 603956, HP:0030079.
Hereditary diffuse gastric adenocarcinoma (HDGC). Also called: DIFFUSE GASTRIC AND LOBULAR BREAST CANCER SYNDROME. Identifiers: Orphanet 26106, MedGen C1708349, MONDO:0007648, OMIM 137215.
Glioma susceptibility 1 (GLM1). Also called: Glioblastoma, somatic. Identifiers: MedGen C2750850, MONDO:0024498, OMIM 137800.
Familial cancer of breast. Also called: BREAST CANCER, FAMILIAL; hereditary breast carcinoma; Hereditary breast cancer. Identifiers: Orphanet 227535, MedGen C0346153, MONDO:0016419, OMIM 114480. Disease mechanism: loss of function.

Submissions (16):

Women's Health and Genetics/Laboratory Corporation of America, LabCorp
Classification: Likely benign. Last evaluated: 2026-03-30. Review status: criteria provided, single submitter. Criteria: LabCorp Variant Classification Summary - May 2015. Collection method: clinical testing. Allele origin: germline.
Comment: Variant summary: BRCA2 c.9257-10delT alters a non-conserved nucleotide located at a position not widely known to affect splicing. Consensus agreement among computation tools predict no significant impact on normal splicing. However, these predictions have yet to be confirmed by functional studies. The frequency data for this variant in gnomAD is considered unreliable, as metrics indicate poor data quality at this position. To our knowledge, no occurrence of c.9257-10delT in individuals affected with BRCA2-related conditions and no experimental evidence demonstrating its impact on protein function have been reported. ClinVar contains an entry for this variant (Variation ID: 52789). Based on the evidence outlined above, the variant was classified as likely benign.

Labcorp Genetics (formerly Invitae), Labcorp
Classification: Likely benign for Hereditary breast ovarian cancer syndrome. Last evaluated: 2025-12-28. Review status: criteria provided, single submitter. Criteria: Invitae Variant Classification Sherloc (09022015). Collection method: clinical testing. Allele origin: germline.

Blueprint Genetics
Classification: Likely benign. Last evaluated: 2024-02-16. Review status: criteria provided, single submitter. Criteria: ACMG Guidelines, 2015. Collection method: clinical testing. Allele origin: germline.

PreventionGenetics, part of Exact Sciences
Classification: Likely benign. Last evaluated: 2017-11-01. Review status: criteria provided, single submitter. Criteria: ACMG Guidelines, 2015. Collection method: clinical testing. Allele origin: germline.

Color Diagnostics, LLC DBA Color Health
Classification: Likely benign for Hereditary cancer-predisposing syndrome. Last evaluated: 2016-02-24. Review status: criteria provided, single submitter. Criteria: ACMG Guidelines, 2015. Collection method: clinical testing. Allele origin: germline.

GeneDx
Classification: Benign. Last evaluated: 2015-03-03. Review status: criteria provided, single submitter. Criteria: GeneDx Variant Classification Process June 2021. Collection method: clinical testing. Allele origin: germline. Affected: yes.

Breast Cancer Information Core (BIC) (BRCA2)
Classification: Uncertain significance for Breast-ovarian cancer, familial 2. Last evaluated: 2003-12-23. Review status: no assertion criteria provided. Collection method: clinical testing. Allele origin: germline. Affected: yes. Observed: 1 variant allele. Not counted in ClinVar's aggregate classification.

Faculté Pluridciplinaire Nador, Université Mohamed Premier
Classification: Tier III - Unknown for Glioma susceptibility 1. Review status: no assertion criteria provided. Collection method: research. Allele origin: somatic. Affected: yes.
Comment: The following databases and algorithms are used to annotate and evaluate the impact of the variant in the context of human disease: 1000 genomes, gnomAD, ClinVar, OMIM, dbSNP, NCIB RefSeq Genes, ExAC Gene Constraints, VS-SIFT, VS-PolyPhen2, PhyloP, GERP++, GeneSplicer, MaxEntScan, NNSplice, PWM Splice Predictor.

Faculté Pluridciplinaire Nador, Université Mohamed Premier
Classification: Tier III - Unknown for Colorectal cancer. Review status: no assertion criteria provided. Collection method: research. Allele origin: somatic. Affected: yes.
Comment: the same text as in the submission from Faculté Pluridciplinaire Nador, Université Mohamed Premier above.

Faculté Pluridciplinaire Nador, Université Mohamed Premier
Classification: Tier III - Unknown for Spindle cell sarcoma. Review status: no assertion criteria provided. Collection method: research. Allele origin: somatic. Affected: yes.
Comment: the same text as in the submission from Faculté Pluridciplinaire Nador, Université Mohamed Premier above.

Faculté Pluridciplinaire Nador, Université Mohamed Premier
Classification: Tier III - Unknown for Adenoid cystic carcinoma. Review status: no assertion criteria provided. Collection method: research. Allele origin: somatic. Affected: yes.
Comment: the same text as in the submission from Faculté Pluridciplinaire Nador, Université Mohamed Premier above.

Faculté Pluridciplinaire Nador, Université Mohamed Premier
Classification: Tier III - Unknown for Hereditary diffuse gastric adenocarcinoma. Review status: no assertion criteria provided. Collection method: research. Allele origin: somatic. Affected: yes.
Comment: the same text as in the submission from Faculté Pluridciplinaire Nador, Université Mohamed Premier above.

Faculté Pluridciplinaire Nador, Université Mohamed Premier
Classification: Tier III - Unknown for Lung cancer. Review status: no assertion criteria provided. Collection method: research. Allele origin: somatic. Affected: yes.
Comment: the same text as in the submission from Faculté Pluridciplinaire Nador, Université Mohamed Premier above.

Faculté Pluridciplinaire Nador, Université Mohamed Premier
Classification: Tier III - Unknown for Familial cancer of breast. Review status: no assertion criteria provided. Collection method: research. Allele origin: somatic. Affected: yes.
Comment: the same text as in the submission from Faculté Pluridciplinaire Nador, Université Mohamed Premier above.

Faculté Pluridciplinaire Nador, Université Mohamed Premier
Classification: Tier III - Unknown for Familial pancreatic carcinoma. Review status: no assertion criteria provided. Collection method: research. Allele origin: somatic. Affected: yes.
Comment: the same text as in the submission from Faculté Pluridciplinaire Nador, Université Mohamed Premier above.

Faculté Pluridciplinaire Nador, Université Mohamed Premier
Classification: Tier III - Unknown for Cervical cancer. Review status: no assertion criteria provided. Collection method: research. Allele origin: somatic. Affected: yes.
Comment: the same text as in the submission from Faculté Pluridciplinaire Nador, Université Mohamed Premier above.

NM_000059.4(BRCA2):c.9257-10del

Gene: BRCA2 (BRCA2 DNA repair associated; plus strand). Cytogenetic location: 13q13.1.
Variant type: Deletion.
Coding change: c.9257-10del on transcript NM_000059.4 (MANE Select); 10 bases into the intron before coding-DNA position 9257, one base deleted (T; older notation c.9257-10delT).
Molecular consequence: intron variant.
Genome position (GRCh38, 1-based): chr13:32,394,679, T deleted; the last of 8 consecutive T bases (chr13:32,394,672-32,394,679); deleting any one gives the same sequence. VCF-style (leftmost placement, unchanged base first): chr13-32394671-CT-C. GRCh37 (hg19) VCF-style: chr13-32968808-CT-C.
Other names: IVS24-10delT; c.9257-10delT (NM_000059.3, NM_000059.4).
Identifiers: ClinVar variation 52789 (VCV000052789.19), dbSNP rs276174919, ClinGen allele CA026061.